The following is an entry in ClinVar:

ClinVar aggregate classification (germline): Uncertain significance (1 of 4 stars; one submission).

Submission:

Women's Health and Genetics/Laboratory Corporation of America, LabCorp
Classification: Uncertain significance. Last evaluated: 2025-09-22. Review status: criteria provided, single submitter. Criteria: LabCorp Variant Classification Summary - May 2015. Collection method: clinical testing. Allele origin: germline.
Comment: Variant summary: PKD1 c.8991C>G (p.Ser2997Arg) results in a non-conservative amino acid change in the encoded protein sequence. Algorithms developed to predict the effect of missense changes on protein structure and function are either unavailable or do not agree on the potential impact of this missense change. The variant was absent in 247512 control chromosomes (gnomAD). The available data on variant occurrences in the general population are insufficient to allow any conclusion about variant significance. c.8991C>G has been observed in individuals affected with autosomal dominant polycystic kidney disease (Kim_2019, Elhassan_2023). These reports do not provide unequivocal conclusions about association of the variant with PKD1-Biallelic Autosomal Recessive Polycystic Kidney Disease. To our knowledge, no experimental evidence demonstrating an impact on protein function has been reported. The following publications have been ascertained in the context of this evaluation (PMID: 38481516, 31740684). No submitters have cited clinical-significance assessments for this variant to ClinVar. Based on the evidence outlined above, the variant was classified as uncertain significance.

Literature cited by the submitters: PubMed 31740684; PubMed 38481516.

NM_001009944.3(PKD1):c.8991C>G (p.Ser2997Arg)

Gene: PKD1 (polycystin 1, transient receptor potential channel interacting; minus strand). Cytogenetic location: 16p13.3.
Variant type: single nucleotide variant.
Coding change: c.8991C>G on transcript NM_001009944.3 (MANE Select); coding-DNA position 8991, C replaced by G.
Protein change: p.Ser2997Arg; replaces serine 2997 with arginine.
Molecular consequence: missense variant.
Genome position (GRCh38, 1-based): chr16:2,102,591, G>C on the plus strand (C>G on the coding strand, the complement: PKD1 is on the minus strand). VCF-style: chr16-2102591-G-C. GRCh37 (hg19) VCF-style: chr16-2152592-G-C.
Other names: c.8991C>G, p.Ser2997Arg (NM_000296.4); short protein forms S2997R.
Identifiers: ClinVar variation 4536085 (VCV004536085.1).